The following is an entry in ClinVar:

NM_006267.5(RANBP2):c.7892A>C (p.Asp2631Ala)

Gene: RANBP2 (RAN binding protein 2; plus strand). Cytogenetic location: 2q13.
Variant type: single nucleotide variant.
Coding change: c.7892A>C on transcript NM_006267.5 (MANE Select); coding-DNA position 7892, A replaced by C.
Protein change: p.Asp2631Ala; replaces aspartic acid 2631 with alanine.
Molecular consequence: missense variant.
Genome position (GRCh38, 1-based): chr2:108,771,743, A>C. VCF-style: chr2-108771743-A-C. GRCh37 (hg19) VCF-style: chr2-109388199-A-C.
Other names: short protein forms D2631A.
Identifiers: ClinVar variation 1045937 (VCV001045937.13), dbSNP rs1677511241, ClinGen allele CA348082151.
Genomic context (GRCh38, chr2:108,771,743, plus strand): 5'-TTTTGACTGGTGTTACAGCAAAAGAGAAGAAAAAACCTGAAGATTCTCCCTCAGATGATG[A>C]TGTTCTCATTGTATATGAACTAACTCCAACCGCTGAGCAGAAAGCCCTTGCAACCAAACT-3'
Protein context (NP_006258.3, residues 2621-2641): KKPEDSPSDD[Asp2631Ala]VLIVYELTPT

ClinVar aggregate classification (germline): Uncertain significance. Review status: criteria provided, multiple submitters, no conflicts (2 of 4 stars). 2 submissions from 2 submitters: Uncertain significance (2). Last evaluated 2023-08-01.

Conditions:
Familial acute necrotizing encephalopathy (IIAE3). Also called: ENCEPHALOPATHY, ACUTE, INFECTION-INDUCED, SUSCEPTIBILITY TO, 3; Susceptibility to Acute Necrotizing Encephalopathy 1. Identifiers: Orphanet 88619, MedGen C2675556, MONDO:0011953, OMIM 608033.

Submissions (2):

GeneDx
Classification: Uncertain significance. Last evaluated: 2023-08-01. Review status: criteria provided, single submitter. Criteria: GeneDx Variant Classification Process June 2021. Collection method: clinical testing. Allele origin: germline. Affected: yes.
Comment: Has not been previously reported in a human subjectas pathogenic or benign to our knowledge; Not observed at significant frequency in large population cohorts (gnomAD); In silico analysis supports that this missense variant has a deleterious effect on protein structure/function; This variant is associated with the following publications: (PMID: 15388847)

Labcorp Genetics (formerly Invitae), Labcorp
Classification: Uncertain significance for Familial acute necrotizing encephalopathy. Last evaluated: 2020-05-26. Review status: criteria provided, single submitter. Criteria: Invitae Variant Classification Sherloc (09022015). Collection method: clinical testing. Allele origin: germline.
Comment: This sequence change replaces aspartic acid with alanine at codon 2631 of the RANBP2 protein (p.Asp2631Ala). The aspartic acid residue is highly conserved and there is a moderate physicochemical difference between aspartic acid and alanine. This variant is not present in population databases (ExAC no frequency). This variant has not been reported in the literature in individuals with RANBP2-related conditions. Algorithms developed to predict the effect of missense changes on protein structure and function (SIFT, PolyPhen-2, Align-GVGD) all suggest that this variant is likely to be disruptive, but these predictions have not been confirmed by published functional studies and their clinical significance is uncertain. In summary, the available evidence is currently insufficient to determine the role of this variant in disease. Therefore, it has been classified as a Variant of Uncertain Significance.